The following is an entry in ClinVar:

NM_177438.3(DICER1):c.2867C>T (p.Pro956Leu)

Gene: DICER1 (dicer 1, ribonuclease III; minus strand). Cytogenetic location: 14q32.13.
Variant type: single nucleotide variant.
Coding change: c.2867C>T on transcript NM_177438.3 (MANE Select); coding-DNA position 2867, C replaced by T.
Protein change: p.Pro956Leu; replaces proline 956 with leucine.
Molecular consequence: missense variant.
Genome position (GRCh38, 1-based): chr14:95,106,161, G>A on the plus strand (C>T on the coding strand, the complement: DICER1 is on the minus strand). VCF-style: chr14-95106161-G-A. GRCh37 (hg19) VCF-style: chr14-95572498-G-A.
Other names: c.2867C>T, p.Pro956Leu (NM_001195573.1, NM_001271282.3, NM_001291628.2 and 1 more transcripts); short protein forms P956L.
Identifiers: ClinVar variation 1351166 (VCV001351166.9), dbSNP rs2140000164, ClinGen allele CA390879079.

ClinVar aggregate classification (germline): Uncertain significance (1 of 4 stars; one submission).

Conditions:
DICER1-related tumor predisposition. Also called: DICER1 syndrome; DICER1-related pleuropulmonary blastoma cancer predisposition syndrome. Identifiers: Orphanet 284343, MedGen C3839822, MONDO:0100216.

Submission:

Labcorp Genetics (formerly Invitae), Labcorp
Classification: Uncertain significance for DICER1-related tumor predisposition. Last evaluated: 2021-04-24. Review status: criteria provided, single submitter. Criteria: Invitae Variant Classification Sherloc (09022015). Collection method: clinical testing. Allele origin: germline.
Comment: Algorithms developed to predict the effect of missense changes on protein structure and function (SIFT, PolyPhen-2, Align-GVGD) all suggest that this variant is likely to be disruptive, but these predictions have not been confirmed by published functional studies and their clinical significance is uncertain. This sequence change replaces proline with leucine at codon 956 of the DICER1 protein (p.Pro956Leu). The proline residue is highly conserved and there is a moderate physicochemical difference between proline and leucine. This variant is not present in population databases (ExAC no frequency). This variant has not been reported in the literature in individuals with DICER1-related conditions. In summary, the available evidence is currently insufficient to determine the role of this variant in disease. Therefore, it has been classified as a Variant of Uncertain Significance.